The following is an entry in ClinVar:

NM_005359.6(SMAD4):c.491A>T (p.His164Leu)

Gene: SMAD4 (SMAD family member 4; plus strand). Cytogenetic location: 18q21.2.
Variant type: single nucleotide variant.
Coding change: c.491A>T on transcript NM_005359.6 (MANE Select); coding-DNA position 491, A replaced by T.
Protein change: p.His164Leu; replaces histidine 164 with leucine.
Molecular consequence: missense variant.
Genome position (GRCh38, 1-based): chr18:51,054,817, A>T. VCF-style: chr18-51054817-A-T. GRCh37 (hg19) VCF-style: chr18-48581187-A-T.
Other names: c.491A>T (NM_005359.5); short protein forms H164L.
Identifiers: ClinVar variation 1346355 (VCV001346355.7), dbSNP rs876660058, ClinGen allele CA402460672.

ClinVar aggregate classification (germline): Uncertain significance. Review status: criteria provided, multiple submitters, no conflicts (2 of 4 stars). 2 submissions from 2 submitters: Uncertain significance (2). Last evaluated 2024-03-28.

Conditions:
Hereditary cancer-predisposing syndrome. Also called: Hereditary Cancer Syndrome; Neoplastic Syndromes, Hereditary; Tumor predisposition; Hereditary neoplastic syndrome. Identifiers: Orphanet 140162, MedGen C0027672, MeSH D009386, MONDO:0015356.
Familial thoracic aortic aneurysm and aortic dissection (TAAD). Also called: Thoracic aortic aneurysms and dissections. Identifiers: Orphanet 91387, MedGen C4707243, MONDO:0019625.
Juvenile polyposis syndrome (JPS). Identifiers: Orphanet 2929, MedGen C0345893, MONDO:0017380, OMIM 174900.

Submissions (2):

Labcorp Genetics (formerly Invitae), Labcorp
Classification: Uncertain significance for Juvenile polyposis syndrome. Last evaluated: 2024-03-28. Review status: criteria provided, single submitter. Criteria: Invitae Variant Classification Sherloc (09022015). Collection method: clinical testing. Allele origin: germline.
Comment: This sequence change replaces histidine, which is basic and polar, with leucine, which is neutral and non-polar, at codon 164 of the SMAD4 protein (p.His164Leu). This variant is not present in population databases (gnomAD no frequency). This variant has not been reported in the literature in individuals affected with SMAD4-related conditions. ClinVar contains an entry for this variant (Variation ID: 1346355). Advanced modeling of protein sequence and biophysical properties (such as structural, functional, and spatial information, amino acid conservation, physicochemical variation, residue mobility, and thermodynamic stability) performed at Invitae indicates that this missense variant is not expected to disrupt SMAD4 protein function with a negative predictive value of 95%. In summary, the available evidence is currently insufficient to determine the role of this variant in disease. Therefore, it has been classified as a Variant of Uncertain Significance.

Ambry Genetics
Classification: Uncertain significance for Hereditary cancer-predisposing syndrome; Familial thoracic aortic aneurysm and aortic dissection. Last evaluated: 2023-09-06. Review status: criteria provided, single submitter. Criteria: Ambry Variant Classification Scheme 2023. Collection method: clinical testing. Allele origin: germline.
Comment: The p.H164L variant (also known as c.491A>T), located in coding exon 4 of the SMAD4 gene, results from an A to T substitution at nucleotide position 491. The histidine at codon 164 is replaced by leucine, an amino acid with similar properties. This amino acid position is conserved. In addition, the in silico prediction for this alteration is inconclusive. Since supporting evidence is limited at this time, the clinical significance of this alteration remains unclear.